The following is an entry in ClinVar:

ClinVar aggregate classification (germline): Benign (1 of 4 stars; one submission).

Conditions:
Isolated focal non-epidermolytic palmoplantar keratoderma. Also called: Palmoplantar keratoderma, nonepidermolytic, focal 2. Identifiers: Orphanet 448264, MedGen C4225339, MONDO:0014622, OMIM 616400.

Allele frequency attached by ClinVar (database versions not stated): 1000 Genomes Project 30x 0.00125; TOPMed 0.00001; gnomAD 0.00007 and 0.00003; 1000 Genomes Project 0.00100.
gnomAD v4.1: 11 of 152,298 alleles (0.0072%); highest among the groups gnomAD compares: South Asian, 0.15%; no homozygotes.

Submission:

Illumina Laboratory Services, Illumina
Classification: Benign for Isolated focal non-epidermolytic palmoplantar keratoderma. Last evaluated: 2018-01-13. Review status: criteria provided, single submitter. Criteria: ICSL Variant Classification Criteria 13 December 2019. Collection method: clinical testing. Allele origin: germline.
Comment: This variant was observed in the ICSL laboratory as part of a predisposition screen in an ostensibly healthy population. It had not been previously curated by ICSL or reported in the Human Gene Mutation Database (HGMD: prior to June 1st, 2018), and was therefore a candidate for classification through an automated scoring system. Utilizing variant allele frequency, disease prevalence and penetrance estimates, and inheritance mode, an automated score was calculated to assess if this variant is too frequent to cause the disease. Based on the score and internal cut-off values, a variant classified as benign is not then subjected to further curation. The score for this variant resulted in a classification of benign for this disease.

NM_145068.4(TRPV3):c.*3258G>A

Genes: SPATA22 (spermatogenesis associated 22; minus strand), TRPV3 (transient receptor potential cation channel subfamily V member 3; minus strand). Cytogenetic location: 17p13.2.
Variant type: single nucleotide variant.
Coding change: c.*3258G>A on transcript NM_145068.4 (MANE Select); 3258 bases downstream of the stop codon, G replaced by A.
Molecular consequence: 3 prime UTR variant. On other transcripts: intron variant (2).
Genome position (GRCh38, 1-based): chr17:3,510,659, C>T on the plus strand (G>A on the coding strand, the complement: TRPV3 is on the minus strand). VCF-style: chr17-3510659-C-T. GRCh37 (hg19) VCF-style: chr17-3413953-C-T.
Other names: c.*3258G>A (NM_001258205.2); c.-74+2753G>A (NM_001321336.2, NM_001321337.2).
Identifiers: ClinVar variation 892079 (VCV000892079.6), dbSNP rs571354968, ClinGen allele CA286986931.